The following is an entry in ClinVar:

ClinVar aggregate classification (germline): Conflicting classifications of pathogenicity. Review status: criteria provided, conflicting classifications (1 of 4 stars). 3 submissions from 3 submitters: Uncertain significance (2); Likely benign (1). Last evaluated 2024-12-28.

Conditions:
Hereditary cancer-predisposing syndrome. Also called: Tumor predisposition; Hereditary neoplastic syndrome; Neoplastic Syndromes, Hereditary; Hereditary Cancer Syndrome. Identifiers: Orphanet 140162, MedGen C0027672, MeSH D009386, MONDO:0015356.
Endometrial carcinoma. Also called: Endometrial carcinoma, somatic. Identifiers: MedGen C0476089, MONDO:0002447, OMIM 608089, HP:0012114.
Familial adenomatous polyposis 4 (FAP4). Also called: MSH3-related attenuated familial adenomatous polyposis. Identifiers: Orphanet 480536, MedGen C4310719, MONDO:0044300, OMIM 617100.

Allele frequency attached by ClinVar (database versions not stated): gnomAD exomes 0.00001; TOPMed 0.00001; 1000 Genomes Project 30x 0.00016; 1000 Genomes Project 0.00020.
gnomAD v4.1: 5 of 1,614,132 alleles (0.00031%); highest among the groups gnomAD compares: African/African-American, 0.0013%; no homozygotes.

Submissions (3):

Labcorp Genetics (formerly Invitae), Labcorp
Classification: Uncertain significance. Last evaluated: 2024-12-28. Review status: criteria provided, single submitter. Criteria: Invitae Variant Classification Sherloc (09022015). Collection method: clinical testing. Allele origin: germline.
Comment: This sequence change replaces serine, which is neutral and polar, with leucine, which is neutral and non-polar, at codon 419 of the MSH3 protein (p.Ser419Leu). This variant is present in population databases (rs578113271, gnomAD 0.007%). This variant has not been reported in the literature in individuals affected with MSH3-related conditions. ClinVar contains an entry for this variant (Variation ID: 847620). An algorithm developed to predict the effect of missense changes on protein structure and function outputs the following: PolyPhen-2: "Benign". The leucine amino acid residue is found in multiple mammalian species, which suggests that this missense change does not adversely affect protein function. In summary, the available evidence is currently insufficient to determine the role of this variant in disease. Therefore, it has been classified as a Variant of Uncertain Significance.

Fulgent Genetics
Classification: Uncertain significance for Endometrial carcinoma; Familial adenomatous polyposis 4. Last evaluated: 2024-03-21. Review status: criteria provided, single submitter. Criteria: ACMG Guidelines, 2015. Collection method: clinical testing. Allele origin: germline.

Ambry Genetics
Classification: Likely benign for Hereditary cancer-predisposing syndrome. Last evaluated: 2020-11-20. Review status: criteria provided, single submitter. Criteria: Ambry Variant Classification Scheme 2023. Collection method: clinical testing. Allele origin: germline.

NM_002439.5(MSH3):c.1256C>T (p.Ser419Leu)

Gene: MSH3 (mutS homolog 3; plus strand). Cytogenetic location: 5q14.1.
Variant type: single nucleotide variant.
Coding change: c.1256C>T on transcript NM_002439.5 (MANE Select); coding-DNA position 1256, C replaced by T.
Protein change: p.Ser419Leu; replaces serine 419 with leucine.
Molecular consequence: missense variant.
Genome position (GRCh38, 1-based): chr5:80,679,009, C>T. VCF-style: chr5-80679009-C-T. GRCh37 (hg19) VCF-style: chr5-79974828-C-T.
Other names: short protein forms S419L.
Identifiers: ClinVar variation 847620 (VCV000847620.13), dbSNP rs578113271, ClinGen allele CA3327843.